The following is an entry in ClinVar:

ClinVar aggregate classification (germline): Conflicting classifications of pathogenicity. Review status: criteria provided, conflicting classifications (1 of 4 stars). 4 submissions from 4 submitters: Uncertain significance (2); Likely benign (2). Last evaluated 2025-12-10.

Conditions:
Inborn genetic diseases. Identifiers: MedGen C0950123, MeSH D030342.

Allele frequency attached by ClinVar (database versions not stated): gnomAD 0.00005; TOPMed 0.00006; ESP Exome Variant Server 0.00008; 1000 Genomes Project 30x 0.00031; 1000 Genomes Project 0.00040.
gnomAD v4.1: 54 of 1,614,162 alleles (0.0033%); highest among the groups gnomAD compares: East Asian, 0.036%; no homozygotes.

Submissions (4):

Labcorp Genetics (formerly Invitae), Labcorp
Classification: Likely benign. Last evaluated: 2025-12-10. Review status: criteria provided, single submitter. Criteria: Invitae Variant Classification Sherloc (09022015). Collection method: clinical testing. Allele origin: germline.

Ambry Genetics
Classification: Likely benign for Inborn genetic diseases. Last evaluated: 2025-05-06. Review status: criteria provided, single submitter. Criteria: Ambry Variant Classification Scheme 2023. Collection method: clinical testing. Allele origin: germline.

ARUP Laboratories, Molecular Genetics and Genomics, ARUP Laboratories
Classification: Uncertain significance. Last evaluated: 2023-05-24. Review status: criteria provided, single submitter. Criteria: ARUP Molecular Germline Variant Investigation Process 2024. Collection method: clinical testing. Allele origin: germline.
Comment: The FLNB c.2965G>A; p.Val989Met variant (rs76471260), to our knowledge, is not reported in the literature but is reported in ClinVar (Variation ID: 291037). This variant is found in the general population with an overall allele frequency of 0.006% (18/282860 alleles) in the Genome Aggregation Database. Computational analyses are uncertain whether this variant is neutral or deleterious (REVEL:0.564). Due to the occurrence of p.Val989Met in the general adult population, this variant is unlikely to be associated with a severe autosomal dominant FLNB-related disease such as atelosteogenesis types I (AOI) and III (AOIII) or Piepkorn osteochondrodysplasia (Robertson 2020); however, due to limited information regarding the p.Val989Met variant, its clinical significance for a milder or autosomal recessive condition cannot be excluded. References: Robertson S. FLNB Disorders. 2008 Oct 9 (Updated 2020 Feb 13). In: Adam MP, Ardinger HH, Pagon RA, et al., editors. GeneReviews (Internet). Seattle (WA): University of Washington, Seattle; 1993-2020.

Eurofins Ntd Llc (ga)
Classification: Uncertain significance. Last evaluated: 2016-09-23. Review status: criteria provided, single submitter. Criteria: EGL Classification Definitions 2015. Collection method: clinical testing. Allele origin: germline. Observed: 1 variant allele, 1 heterozygote.

NM_001457.4(FLNB):c.2965G>A (p.Val989Met)

Gene: FLNB (filamin B; plus strand). Cytogenetic location: 3p14.3.
Variant type: single nucleotide variant.
Coding change: c.2965G>A on transcript NM_001457.4 (MANE Select); coding-DNA position 2965, G replaced by A.
Protein change: p.Val989Met; replaces valine 989 with methionine.
Molecular consequence: missense variant.
Genome position (GRCh38, 1-based): chr3:58,121,342, G>A. VCF-style: chr3-58121342-G-A. GRCh37 (hg19) VCF-style: chr3-58107069-G-A.
Other names: c.2965G>A, p.Val989Met (NM_001164317.2, NM_001164318.2, NM_001164319.2); c.2965G>A (NM_001457.3); short protein forms V989M.
Identifiers: ClinVar variation 291037 (VCV000291037.13), dbSNP rs76471260, ClinGen allele CA2468291.